The following is an entry in ClinVar:

NM_001378454.1(ALMS1):c.11045_11056del (p.Leu3682_Ser3685del)

Gene: ALMS1 (ALMS1 centrosome and basal body associated protein; plus strand). Cytogenetic location: 2p13.1.
Variant type: Deletion.
Coding change: c.11045_11056del on transcript NM_001378454.1 (MANE Select); coding-DNA positions 11045 to 11056, 12 bases deleted (TAGAGAAAAGCC).
Protein change: p.Leu3682_Ser3685del.
Molecular consequence: inframe deletion.
Genome position (GRCh38, 1-based): chr2:73,572,922-73,572,933, TAGAGAAAAGCC deleted; deleting any 12 consecutive bases within chr2:73,572,915-73,572,933 gives the same sequence; the c. name uses the placement nearest the transcript's 3' end. VCF-style (leftmost placement, unchanged base first): chr2-73572914-TAAAAGCCTAGAG-T. GRCh37 (hg19) VCF-style: chr2-73800041-TAAAAGCCTAGAG-T.
Other names: c.11048_11059del, p.Leu3683_Ser3686del (NM_015120.4); c.11042_11053del12 (NM_015120.4).
Identifiers: ClinVar variation 403946 (VCV000403946.15), dbSNP rs757734472, ClinGen allele CA1715108.

ClinVar aggregate classification (germline): Uncertain significance. Review status: criteria provided, multiple submitters, no conflicts (2 of 4 stars). 4 submissions from 4 submitters: Uncertain significance (3). 1 of the submissions does not count toward it. Last evaluated 2026-06-16.

Conditions:
ALMS1-related disorder. Also called: ALMS1-related condition.
Alstrom syndrome (ALMS). Identifiers: Orphanet 64, MedGen C0268425, MONDO:0008763, OMIM 203800.

Submissions (4):

PreventionGenetics, part of Exact Sciences
Classification: Uncertain significance for ALMS1-related condition. Last evaluated: 2026-06-16. Review status: criteria provided, single submitter. Criteria: ACMG Guidelines, 2015. Collection method: clinical testing. Allele origin: germline.
Comment: The ALMS1 c.11042_11053del12 variant is predicted to result in an in-frame deletion (p.Leu3681_Ser3684del). To our knowledge, this variant has not been reported in the literature. This variant is reported in 0.012% of alleles in individuals of African descent in gnomAD. At this time, the clinical significance of this variant is uncertain due to the absence of conclusive functional and genetic evidence.

Genetic Services Laboratory, University of Chicago
Classification: Uncertain significance. Last evaluated: 2021-11-16. Review status: criteria provided, single submitter. Criteria: ACMG Guidelines, 2015. Collection method: clinical testing. Allele origin: germline. Affected: no.

Labcorp Genetics (formerly Invitae), Labcorp
Classification: Uncertain significance for Alstrom syndrome. Last evaluated: 2021-08-28. Review status: criteria provided, single submitter. Criteria: Invitae Variant Classification Sherloc (09022015). Collection method: clinical testing. Allele origin: germline.

Natera, Inc.
Classification: Uncertain significance for Alstrom syndrome. Last evaluated: 2020-12-09. Review status: no assertion criteria provided. Collection method: clinical testing. Allele origin: germline. Not counted in ClinVar's aggregate classification.